The following is an entry in ClinVar:

ClinVar aggregate classification (germline): Uncertain significance (1 of 4 stars; one submission).

Conditions:
Developmental and epileptic encephalopathy 94 (DEE94). Also called: Epileptic encephalopathy, childhood-onset; CHD2-Related Neurodevelopmental Disorders. Identifiers: Orphanet 1942, Orphanet 2382, MedGen C3809278, MONDO:0014150, OMIM 615369.

gnomAD v4.1: 1 of 1,614,048 alleles (0.000062%); highest among the groups gnomAD compares: Admixed American, 0.0017%; no homozygotes.

Submission:

Labcorp Genetics (formerly Invitae), Labcorp
Classification: Uncertain significance for Developmental and epileptic encephalopathy 94. Last evaluated: 2025-02-25. Review status: criteria provided, single submitter. Criteria: Invitae Variant Classification Sherloc (09022015). Collection method: clinical testing. Allele origin: germline.
Comment: This sequence change replaces alanine, which is neutral and non-polar, with aspartic acid, which is acidic and polar, at codon 1254 of the CHD2 protein (p.Ala1254Asp). The frequency data for this variant in the population databases is considered unreliable, as metrics indicate poor data quality at this position in the gnomAD database. This variant has not been reported in the literature in individuals affected with CHD2-related conditions. Invitae Evidence Modeling of protein sequence and biophysical properties (such as structural, functional, and spatial information, amino acid conservation, physicochemical variation, residue mobility, and thermodynamic stability) indicates that this missense variant is not expected to disrupt CHD2 protein function with a negative predictive value of 95%. In summary, the available evidence is currently insufficient to determine the role of this variant in disease. Therefore, it has been classified as a Variant of Uncertain Significance.

NM_001271.4(CHD2):c.3761C>A (p.Ala1254Asp)

Gene: CHD2 (chromodomain helicase DNA binding protein 2; plus strand). Cytogenetic location: 15q26.1.
Variant type: single nucleotide variant.
Coding change: c.3761C>A on transcript NM_001271.4 (MANE Select); coding-DNA position 3761, C replaced by A.
Protein change: p.Ala1254Asp; replaces alanine 1254 with aspartic acid.
Molecular consequence: missense variant.
Genome position (GRCh38, 1-based): chr15:92,997,279, C>A. VCF-style: chr15-92997279-C-A. GRCh37 (hg19) VCF-style: chr15-93540509-C-A.
Other names: short protein forms A1254D.
Identifiers: ClinVar variation 4770845 (VCV004770845.1).